The following is an entry in ClinVar:

NM_004984.4(KIF5A):c.1922G>A (p.Arg641His)

Gene: KIF5A (kinesin family member 5A; plus strand). Cytogenetic location: 12q13.3.
Variant type: single nucleotide variant.
Coding change: c.1922G>A on transcript NM_004984.4 (MANE Select); coding-DNA position 1922, G replaced by A.
Protein change: p.Arg641His; replaces arginine 641 with histidine.
Molecular consequence: missense variant.
Genome position (GRCh38, 1-based): chr12:57,575,656, G>A. VCF-style: chr12-57575656-G-A. GRCh37 (hg19) VCF-style: chr12-57969439-G-A.
Other names: c.1655G>A, p.Arg552His (NM_001354705.2); short protein forms R552H, R641H.
Identifiers: ClinVar variation 2712582 (VCV002712582.4), dbSNP rs767277745, ClinGen allele CA6652943.
Genomic context (GRCh38, chr12:57,575,656, plus strand): 5'-TCCTTTGCTCCATCTTCTTCCTCTCACCAACTTTCTCCCACCAGCATGAGGCCAAGATCC[G>A]CTCGCTTACGGAATACATGCAGAGCGTGGAGCTAAAGAAGCGGCACCTGGAAGAGTCCTA-3'
Protein context (NP_004975.2, residues 631-651): LLISQHEAKI[Arg641His]SLTEYMQSVE

ClinVar aggregate classification (germline): Conflicting classifications of pathogenicity. Review status: criteria provided, conflicting classifications (1 of 4 stars). 2 submissions from 2 submitters: Uncertain significance (1); Likely benign (1). Last evaluated 2024-05-10.

Conditions:
Spastic paraplegia. Identifiers: MedGen C0037772, HP:0001258.

Allele frequency attached by ClinVar (database versions not stated): gnomAD 0.00001; TOPMed 0.00001; ExAC 0.00002.
gnomAD v4.1: 14 of 1,613,930 alleles (0.00087%); highest among the groups gnomAD compares: East Asian, 0.0022%; no homozygotes.

Submissions (2):

Women's Health and Genetics/Laboratory Corporation of America, LabCorp
Classification: Uncertain significance. Last evaluated: 2024-05-10. Review status: criteria provided, single submitter. Criteria: LabCorp Variant Classification Summary - May 2015. Collection method: clinical testing. Allele origin: germline.
Comment: Variant summary: KIF5A c.1922G>A (p.Arg641His) results in a non-conservative amino acid change in the encoded protein sequence. Three of five in-silico tools predict a damaging effect of the variant on protein function. The variant allele was found at a frequency of 2e-05 in 251470 control chromosomes. The available data on variant occurrences in the general population are insufficient to allow any conclusion about variant significance. To our knowledge, no occurrence of c.1922G>A in individuals affected with KIF5A-Related Disorders and no experimental evidence demonstrating its impact on protein function have been reported. ClinVar contains an entry for this variant (Variation ID: 2712582). Based on the evidence outlined above, the variant was classified as uncertain significance.

Labcorp Genetics (formerly Invitae), Labcorp
Classification: Likely benign for Spastic paraplegia. Last evaluated: 2023-12-04. Review status: criteria provided, single submitter. Criteria: Invitae Variant Classification Sherloc (09022015). Collection method: clinical testing. Allele origin: germline.